The following is an entry in ClinVar:

NM_001370466.1(NOD2):c.699G>C (p.Trp233Cys)

Gene: NOD2 (nucleotide binding oligomerization domain containing 2; plus strand). Cytogenetic location: 16q12.1.
Variant type: single nucleotide variant.
Coding change: c.699G>C on transcript NM_001370466.1 (MANE Select); coding-DNA position 699, G replaced by C.
Protein change: p.Trp233Cys; replaces tryptophan 233 with cysteine.
Molecular consequence: missense variant. On other transcripts: non-coding transcript variant (1).
Genome position (GRCh38, 1-based): chr16:50,710,691, G>C. VCF-style: chr16-50710691-G-C. GRCh37 (hg19) VCF-style: chr16-50744602-G-C.
Other names: c.699G>C, p.Trp233Cys (NM_001293557.2); c.780G>C, p.Trp260Cys (NM_022162.3); short protein forms W233C, W260C.
Identifiers: ClinVar variation 2940073 (VCV002940073.3), dbSNP rs528290590, ClinGen allele CA281261485.

ClinVar aggregate classification (germline): Uncertain significance (1 of 4 stars; one submission).

Conditions:
Regional enteritis. Also called: Enteritis, Granulomatous. Identifiers: MedGen C0678202, MeSH D003424.
Blau syndrome (BLAUS). Also called: ARTHROCUTANEOUVEAL GRANULOMATOSIS; GRANULOMATOSIS, FAMILIAL JUVENILE SYSTEMIC; GRANULOMATOSIS, FAMILIAL, BLAU TYPE; GRANULOMATOUS INFLAMMATORY ARTHRITIS, DERMATITIS, AND UVEITIS, FAMILIAL; JABS SYNDROME. Identifiers: Orphanet 90340, MedGen C5201146, MONDO:0008523, OMIM 186580.

Allele frequency attached by ClinVar (database versions not stated): gnomAD exomes below 0.00001; TOPMed below 0.00001; gnomAD 0.00001.
gnomAD v4.1: 2 of 1,613,870 alleles (0.00012%); highest among the groups gnomAD compares: Non-Finnish European, 0.00017%; no homozygotes.

Submission:

Labcorp Genetics (formerly Invitae), Labcorp
Classification: Uncertain significance for Regional enteritis; Blau syndrome. Last evaluated: 2023-03-30. Review status: criteria provided, single submitter. Criteria: Invitae Variant Classification Sherloc (09022015). Collection method: clinical testing. Allele origin: germline.
Comment: In summary, the available evidence is currently insufficient to determine the role of this variant in disease. Therefore, it has been classified as a Variant of Uncertain Significance. This sequence change replaces tryptophan, which is neutral and slightly polar, with cysteine, which is neutral and slightly polar, at codon 260 of the NOD2 protein (p.Trp260Cys). This variant is not present in population databases (gnomAD no frequency). This variant has not been reported in the literature in individuals affected with NOD2-related conditions. Advanced modeling of protein sequence and biophysical properties (such as structural, functional, and spatial information, amino acid conservation, physicochemical variation, residue mobility, and thermodynamic stability) performed at Invitae indicates that this missense variant is not expected to disrupt NOD2 protein function.